The following is an entry in ClinVar:

ClinVar aggregate classification (germline): Uncertain significance (1 of 4 stars; one submission).

Conditions:
CHARGE syndrome (CHARGE). Also called: Hittner Hirsch Kreh syndrome; CHARGE ASSOCIATION--COLOBOMA, HEART ANOMALY, CHOANAL ATRESIA, RETARDATION, GENITAL AND EAR ANOMALIES; Coloboma, heart anomaly, choanal atresia, retardation, genital and ear anomalies; CHARGE association; Hall-Hittner syndrome. Identifiers: Orphanet 138, MedGen C0265354, MONDO:0008965.

Allele frequency attached by ClinVar (database versions not stated): ExAC 0.00001.
gnomAD v4.1: 1 of 1,610,974 alleles (0.000062%); highest among the groups gnomAD compares: Non-Finnish European, 0.000085%; no homozygotes.

Submission:

Labcorp Genetics (formerly Invitae), Labcorp
Classification: Uncertain significance for CHARGE syndrome. Last evaluated: 2022-10-12. Review status: criteria provided, single submitter. Criteria: Invitae Variant Classification Sherloc (09022015). Collection method: clinical testing. Allele origin: germline.
Comment: This sequence change replaces tyrosine, which is neutral and polar, with cysteine, which is neutral and slightly polar, at codon 984 of the CHD7 protein (p.Tyr984Cys). This variant is present in population databases (rs760694653, gnomAD 0.0009%). This variant has not been reported in the literature in individuals affected with CHD7-related conditions. Algorithms developed to predict the effect of missense changes on protein structure and function (SIFT, PolyPhen-2, Align-GVGD) all suggest that this variant is likely to be disruptive. Algorithms developed to predict the effect of sequence changes on RNA splicing suggest that this variant may disrupt the consensus splice site. In summary, the available evidence is currently insufficient to determine the role of this variant in disease. Therefore, it has been classified as a Variant of Uncertain Significance.

NM_017780.4(CHD7):c.2951A>G (p.Tyr984Cys)

Gene: CHD7 (chromodomain helicase DNA binding protein 7; plus strand). Cytogenetic location: 8q12.2.
Variant type: single nucleotide variant.
Coding change: c.2951A>G on transcript NM_017780.4 (MANE Select); coding-DNA position 2951, A replaced by G.
Protein change: p.Tyr984Cys; replaces tyrosine 984 with cysteine.
Molecular consequence: missense variant. On other transcripts: intron variant (1).
Genome position (GRCh38, 1-based): chr8:60,822,139, A>G. VCF-style: chr8-60822139-A-G. GRCh37 (hg19) VCF-style: chr8-61734698-A-G.
Other names: c.1717-40090A>G (NM_001316690.1); short protein forms Y984C.
Identifiers: ClinVar variation 2178316 (VCV002178316.4), dbSNP rs760694653, ClinGen allele CA4759858.